The following is an entry in ClinVar:

ClinVar aggregate classification (germline): Likely benign (1 of 4 stars; one submission).

Allele frequency attached by ClinVar (database versions not stated): gnomAD exomes below 0.00001; gnomAD 0.00001.
gnomAD v4.1: 5 of 1,613,382 alleles (0.00031%); highest among the groups gnomAD compares: Middle Eastern, 0.016%; no homozygotes.

Submission:

CeGaT Center for Human Genetics Tuebingen
Classification: Likely benign. Last evaluated: 2023-10-01. Review status: criteria provided, single submitter. Criteria: CeGaT Center For Human Genetics Tuebingen Variant Classification Criteria Version 2. Collection method: clinical testing. Allele origin: germline. Affected: yes. Observed: 2 variant alleles.
Comment: ZNF292: BP4, BP7

NM_015021.3(ZNF292):c.6498A>G (p.Lys2166=)

Gene: ZNF292 (zinc finger protein 292; plus strand). Cytogenetic location: 6q14.3.
Variant type: single nucleotide variant.
Coding change: c.6498A>G on transcript NM_015021.3 (MANE Select); coding-DNA position 6498, A replaced by G.
Protein change: p.Lys2166=; no amino-acid change (lysine 2166 retained).
Molecular consequence: synonymous variant.
Genome position (GRCh38, 1-based): chr6:87,260,127, A>G. VCF-style: chr6-87260127-A-G. GRCh37 (hg19) VCF-style: chr6-87969845-A-G.
Other names: c.6078A>G, p.Lys2026= (NM_001351444.2).
Identifiers: ClinVar variation 2656757 (VCV002656757.24), dbSNP rs752830835, ClinGen allele CA142838345.